The following is an entry in ClinVar:

NM_001010874.5(TECRL):c.101A>G (p.His34Arg)

Gene: TECRL (trans-2,3-enoyl-CoA reductase like; minus strand). Cytogenetic location: 4q13.1.
Variant type: single nucleotide variant.
Coding change: c.101A>G on transcript NM_001010874.5 (MANE Select); coding-DNA position 101, A replaced by G.
Protein change: p.His34Arg; replaces histidine 34 with arginine.
Molecular consequence: missense variant.
Genome position (GRCh38, 1-based): chr4:64,409,251, T>C on the plus strand (A>G on the coding strand, the complement: TECRL is on the minus strand). VCF-style: chr4-64409251-T-C. GRCh37 (hg19) VCF-style: chr4-65274969-T-C.
Other names: c.101A>G, p.His34Arg (NM_001363796.1); short protein forms H34R.
Identifiers: ClinVar variation 1754133 (VCV001754133.3), dbSNP rs1464343344, ClinGen allele CA357149281.

ClinVar aggregate classification (germline): Uncertain significance (1 of 4 stars; one submission).

Conditions:
Cardiovascular phenotype. Identifiers: MedGen CN230736.

Allele frequency attached by ClinVar (database versions not stated): gnomAD exomes below 0.00001; gnomAD 0.00001; TOPMed 0.00001.
gnomAD v4.1: 5 of 1,613,738 alleles (0.00031%); highest among the groups gnomAD compares: Non-Finnish European, 0.00042%; no homozygotes.

Submission:

Ambry Genetics
Classification: Uncertain significance for Cardiovascular phenotype. Last evaluated: 2024-09-04. Review status: criteria provided, single submitter. Criteria: Ambry Variant Classification Scheme 2023. Collection method: clinical testing. Allele origin: germline.
Comment: The p.H34R variant (also known as c.101A>G), located in coding exon 1 of the TECRL gene, results from an A to G substitution at nucleotide position 101. The histidine at codon 34 is replaced by arginine, an amino acid with highly similar properties. This amino acid position is conserved. In addition, this alteration is predicted to be tolerated by in silico analysis. Since supporting evidence is limited at this time, the clinical significance of this alteration remains unclear.